The following is an entry in ClinVar:

ClinVar aggregate classification (germline): Pathogenic (1 of 4 stars; one submission).

Conditions:
Familial cancer of breast. Also called: Hereditary breast cancer; BREAST CANCER, FAMILIAL; hereditary breast carcinoma. Identifiers: Orphanet 227535, MedGen C0346153, MONDO:0016419, OMIM 114480. Disease mechanism: loss of function.

Submission:

Myriad Genetics, Inc.
Classification: Pathogenic for Familial cancer of breast. Last evaluated: 2023-09-14. Review status: criteria provided, single submitter. Criteria: Myriad Autosomal Dominant, Autosomal Recessive and X-Linked Classification Criteria (2023). Collection method: clinical testing. Allele origin: unknown.
Comment: This variant is considered pathogenic. This variant creates a termination codon and is predicted to result in premature protein truncation.

NM_024675.4(PALB2):c.3247_3253dup (p.Leu1085Ter)

Gene: PALB2 (partner and localizer of BRCA2; minus strand). Cytogenetic location: 16p12.2.
Variant type: Duplication.
Coding change: c.3247_3253dup on transcript NM_024675.4 (MANE Select); coding-DNA positions 3247 to 3253, 7 bases duplicated (GAGTCGT; older notation c.3247_3253dupGAGTCGT).
Protein change: p.Leu1085Ter; replaces leucine 1085 with a stop codon.
Molecular consequence: nonsense. On other transcripts: intron variant (8).
Genome position (GRCh38, 1-based): chr16:23,607,961-23,607,967, ACGACTC duplicated on the plus strand (GAGTCGT on the coding strand, the reverse complement: PALB2 is on the minus strand); duplicating any 7 consecutive bases within chr16:23,607,961-23,607,969 gives the same sequence; the c. name uses the placement nearest the transcript's 3' end. VCF-style (leftmost placement, unchanged base first): chr16-23607960-A-AACGACTC. GRCh37 (hg19) VCF-style: chr16-23619281-A-AACGACTC.
Other names: c.3187_3193dup, p.Leu1065Ter (NM_001407296.1); c.3175_3181dup, p.Leu1061Ter (NM_001407297.1); c.3085_3091dup, p.Leu1031Ter (NM_001407298.1); c.2968_2974dup, p.Leu992Ter (NM_001407300.1); c.2362_2368dup, p.Leu790Ter (NM_001407304.1, NM_001407305.1, NM_001407306.1); c.2200_2206dup, p.Leu736Ter (NM_001407307.1); c.1459_1465dup, p.Leu489Ter (NM_001407312.1); c.781_787dup, p.Leu263Ter (NM_001407314.1); and 6 more; short protein forms L1031*, L1061*, L1065*, L1085*, L263*, L489*, L736*, L790*.
Identifiers: ClinVar variation 2674107 (VCV002674107.1), dbSNP rs2506217535, ClinGen allele CA2695197592.